The following is an entry in ClinVar:

NM_001303256.3(MORC2):c.1271C>A (p.Thr424Lys)

Gene: MORC2 (MORC family CW-type zinc finger 2; minus strand). Cytogenetic location: 22q12.2.
Variant type: single nucleotide variant.
Coding change: c.1271C>A on transcript NM_001303256.3 (MANE Select); coding-DNA position 1271, C replaced by A.
Protein change: p.Thr424Lys; replaces threonine 424 with lysine.
Molecular consequence: missense variant.
Genome position (GRCh38, 1-based): chr22:30,937,913, G>T on the plus strand (C>A on the coding strand, the complement: MORC2 is on the minus strand). VCF-style: chr22-30937913-G-T. GRCh37 (hg19) VCF-style: chr22-31333900-G-T.
Other names: c.1271C>A, p.Thr424Lys (NM_001303257.2); c.1085C>A, p.Thr362Lys (NM_014941.3); short protein forms T362K, T424K.
Identifiers: ClinVar variation 2810254 (VCV002810254.3), dbSNP rs2517589889, ClinGen allele CA411238933.

ClinVar aggregate classification (germline): Likely pathogenic (1 of 4 stars; one submission).

Conditions:
Charcot-Marie-Tooth disease axonal type 2Z. Also called: CHARCOT-MARIE-TOOTH DISEASE, AXONAL, AUTOSOMAL DOMINANT, TYPE 2Z; CHARCOT-MARIE-TOOTH NEUROPATHY, TYPE 2Z. Identifiers: Orphanet 466768, MedGen C5569025, MONDO:0014736, OMIM 616688.

Submission:

Labcorp Genetics (formerly Invitae), Labcorp
Classification: Likely pathogenic for Charcot-Marie-Tooth disease axonal type 2Z. Last evaluated: 2022-10-27. Review status: criteria provided, single submitter. Criteria: Invitae Variant Classification Sherloc (09022015). Collection method: clinical testing. Allele origin: germline.
Comment: In summary, the currently available evidence indicates that the variant is pathogenic, but additional data are needed to prove that conclusively. Therefore, this variant has been classified as Likely Pathogenic. This variant disrupts the p.Thr424 amino acid residue in MORC2. Other variant(s) that disrupt this residue have been determined to be pathogenic (Invitae). This suggests that this residue is clinically significant, and that variants that disrupt this residue are likely to be disease-causing. Advanced modeling of protein sequence and biophysical properties (such as structural, functional, and spatial information, amino acid conservation, physicochemical variation, residue mobility, and thermodynamic stability) performed at Invitae indicates that this missense variant is expected to disrupt MORC2 protein function. This variant has not been reported in the literature in individuals affected with MORC2-related conditions. This variant is not present in population databases (gnomAD no frequency). This sequence change replaces threonine, which is neutral and polar, with lysine, which is basic and polar, at codon 424 of the MORC2 protein (p.Thr424Lys).